The following is an entry in ClinVar:

NM_138927.4(SON):c.6644A>G (p.Asn2215Ser)

Gene: SON (SON DNA and RNA binding protein; plus strand). Cytogenetic location: 21q22.11.
Variant type: single nucleotide variant.
Coding change: c.6644A>G on transcript NM_138927.4 (MANE Select); coding-DNA position 6644, A replaced by G.
Protein change: p.Asn2215Ser; replaces asparagine 2215 with serine.
Molecular consequence: missense variant. On other transcripts: non-coding transcript variant (1).
Genome position (GRCh38, 1-based): chr21:33,559,762, A>G. VCF-style: chr21-33559762-A-G. GRCh37 (hg19) VCF-style: chr21-34932068-A-G.
Other names: c.728A>G, p.Asn243Ser (NM_001291412.3, NM_001412132.1); c.6644A>G, p.Asn2215Ser (NM_001412133.1, NM_032195.3, NM_138926.1); c.*440A>G (NM_058183.2); short protein forms N243S, N2215S.
Identifiers: ClinVar variation 2898381 (VCV002898381.3), dbSNP rs764493458, ClinGen allele CA320105382.

ClinVar aggregate classification (germline): Uncertain significance (1 of 4 stars; one submission).

Allele frequency attached by ClinVar (database versions not stated): TOPMed 0.00003; gnomAD 0.00004.
gnomAD v4.1: 34 of 1,613,660 alleles (0.0021%); highest among the groups gnomAD compares: Middle Eastern, 0.016%; no homozygotes.

Submission:

Labcorp Genetics (formerly Invitae), Labcorp
Classification: Uncertain significance. Last evaluated: 2026-01-12. Review status: criteria provided, single submitter. Criteria: Invitae Variant Classification Sherloc (09022015). Collection method: clinical testing. Allele origin: germline.
Comment: This sequence change replaces asparagine, which is neutral and polar, with serine, which is neutral and polar, at codon 2215 of the SON protein (p.Asn2215Ser). This variant is present in population databases (no rsID available, gnomAD 0.01%). This variant has not been reported in the literature in individuals affected with SON-related conditions. ClinVar contains an entry for this variant (Variation ID: 2898381). An algorithm developed to predict the effect of missense changes on protein structure and function outputs the following: PolyPhen-2: "Not Available". The serine amino acid residue is found in multiple mammalian species, which suggests that this missense change does not adversely affect protein function. In summary, the available evidence is currently insufficient to determine the role of this variant in disease. Therefore, it has been classified as a Variant of Uncertain Significance.